The following is an entry in ClinVar:

NM_000059.4(BRCA2):c.1319T>G (p.Leu440Arg)

Gene: BRCA2 (BRCA2 DNA repair associated; plus strand). Cytogenetic location: 13q13.1.
Variant type: single nucleotide variant.
Coding change: c.1319T>G on transcript NM_000059.4 (MANE Select); coding-DNA position 1319, T replaced by G.
Protein change: p.Leu440Arg; replaces leucine 440 with arginine.
Molecular consequence: missense variant.
Genome position (GRCh38, 1-based): chr13:32,332,797, T>G. VCF-style: chr13-32332797-T-G. GRCh37 (hg19) VCF-style: chr13-32906934-T-G.
Other names: short protein forms L440R.
Identifiers: ClinVar variation 1021991 (VCV001021991.18), dbSNP rs2072409540, ClinGen allele CA387762649.
Genomic context (GRCh38, chr13:32,332,797, plus strand): 5'-ACCAAAATATTTCAGAAAAAGACCTATTAGACACAGAGAACAAAAGAAAGAAAGATTTTC[T>G]TACTTCAGAGAATTCTTTGCCACGTATTTCTAGCCTACCAAAATCAGAGAAGCCATTAAA-3'
Protein context (NP_000050.3, residues 430-450): DTENKRKKDF[Leu440Arg]TSENSLPRIS

ClinVar aggregate classification (germline): Conflicting classifications of pathogenicity. Review status: criteria provided, conflicting classifications (1 of 4 stars). 3 submissions from 3 submitters: Uncertain significance (2); Likely benign (1). Last evaluated 2025-11-05.

Conditions:
Hereditary breast ovarian cancer syndrome. Also called: Breast and ovarian cancer; Hereditary breast and ovarian cancer syndrome (HBOC); Hereditary breast and ovarian cancer; Hereditary breast and/or ovarian cancer syndrome; BRCA1- and BRCA2-Associated Hereditary Breast and Ovarian Cancer; Hereditary breast and ovarian cancer syndrome. Identifiers: Orphanet 145, MedGen C0677776, MeSH D061325, MONDO:0003582. Disease mechanism: loss of function.
Hereditary cancer-predisposing syndrome. Also called: Hereditary Cancer Syndrome; Neoplastic Syndromes, Hereditary; Tumor predisposition; Hereditary neoplastic syndrome. Identifiers: Orphanet 140162, MedGen C0027672, MeSH D009386, MONDO:0015356.

Allele frequency attached by ClinVar (database versions not stated): gnomAD exomes below 0.00001.
gnomAD v4.1: 3 of 1,608,428 alleles (0.00019%); highest among the groups gnomAD compares: Non-Finnish European, 0.00025%; no homozygotes.

Submissions (3):

Labcorp Genetics (formerly Invitae), Labcorp
Classification: Uncertain significance for Hereditary breast ovarian cancer syndrome. Last evaluated: 2025-11-05. Review status: criteria provided, single submitter. Criteria: Invitae Variant Classification Sherloc (09022015). Collection method: clinical testing. Allele origin: germline.
Comment: This sequence change replaces leucine, which is neutral and non-polar, with arginine, which is basic and polar, at codon 440 of the BRCA2 protein (p.Leu440Arg). This variant is not present in population databases (gnomAD no frequency). This variant has not been reported in the literature in individuals affected with BRCA2-related conditions. ClinVar contains an entry for this variant (Variation ID: 1021991). Invitae Evidence Modeling of protein sequence and biophysical properties (such as structural, functional, and spatial information, amino acid conservation, physicochemical variation, residue mobility, and thermodynamic stability) indicates that this missense variant is not expected to disrupt BRCA2 protein function with a negative predictive value of 95%. In summary, the available evidence is currently insufficient to determine the role of this variant in disease. Therefore, it has been classified as a Variant of Uncertain Significance.

Ambry Genetics
Classification: Uncertain significance for Hereditary cancer-predisposing syndrome. Last evaluated: 2025-04-03. Review status: criteria provided, single submitter. Criteria: Ambry Variant Classification Scheme 2023. Collection method: clinical testing. Allele origin: germline.
Comment: The p.L440R variant (also known as c.1319T>G), located in coding exon 9 of the BRCA2 gene, results from a T to G substitution at nucleotide position 1319. The leucine at codon 440 is replaced by arginine, an amino acid with dissimilar properties. This amino acid position is conserved. In addition, this alteration is predicted to be tolerated by in silico analysis. Based on the available evidence, the clinical significance of this variant remains unclear.

University of Washington Department of Laboratory Medicine, University of Washington
Classification: Likely benign for Hereditary cancer-predisposing syndrome. Last evaluated: 2023-03-23. Review status: criteria provided, single submitter. Criteria: Dines et al. (Genet Med. 2020). Collection method: curation. Allele origin: germline.
Comment: Missense variant in a coldspot region where missense variants are very unlikely to be pathogenic (PMID:31911673).

BRCA2 exon 10 coldspot. Reclassification based on statistical prior probability.